The following is an entry in ClinVar:

NM_001042492.3(NF1):c.4840A>G (p.Lys1614Glu)

Gene: NF1 (neurofibromin 1; plus strand). Cytogenetic location: 17q11.2.
Variant type: single nucleotide variant.
Coding change: c.4840A>G on transcript NM_001042492.3 (MANE Select); coding-DNA position 4840, A replaced by G.
Protein change: p.Lys1614Glu; replaces lysine 1614 with glutamic acid.
Molecular consequence: missense variant.
Genome position (GRCh38, 1-based): chr17:31,325,824, A>G. VCF-style: chr17-31325824-A-G. GRCh37 (hg19) VCF-style: chr17-29652842-A-G.
Other names: c.4777A>G, p.Lys1593Glu (NM_000267.4); short protein forms K1614E, K1593E.
Identifiers: ClinVar variation 3634565 (VCV003634565.2).
Genomic context (GRCh38, chr17:31,325,824, plus strand): 5'-GTATATTTATTTTAAACACTGCTAATAATCTTTGTCTTTTTTGTCATTTTCCTTAGGTTC[A>G]AAACTGGTCAAATCAATGGTGATTTGCTGATATACCATGTCTTACTGACTTTAAAGCCAT-3'
Protein context (NP_001035957.1, residues 1604-1624): PIFYYVARRF[Lys1614Glu]TGQINGDLLI

ClinVar aggregate classification (germline): Uncertain significance (1 of 4 stars; one submission).

Conditions:
Neurofibromatosis, type 1 (NF1). Also called: VON RECKLINGHAUSEN DISEASE; Peripheral type neurofibromatosis; NEUROFIBROMATOSIS, TYPE I, SOMATIC; Neurofibromatosis, type I. Identifiers: Orphanet 636, MedGen C0027831, MONDO:0018975, OMIM 162200. Disease mechanism: loss of function.

Submission:

Labcorp Genetics (formerly Invitae), Labcorp
Classification: Uncertain significance for Neurofibromatosis, type 1. Last evaluated: 2024-07-11. Review status: criteria provided, single submitter. Criteria: Invitae Variant Classification Sherloc (09022015). Collection method: clinical testing. Allele origin: germline.
Comment: This sequence change replaces lysine, which is basic and polar, with glutamic acid, which is acidic and polar, at codon 1593 of the NF1 protein (p.Lys1593Glu). This variant is not present in population databases (gnomAD no frequency). This variant has not been reported in the literature in individuals affected with NF1-related conditions. Advanced modeling of protein sequence and biophysical properties (such as structural, functional, and spatial information, amino acid conservation, physicochemical variation, residue mobility, and thermodynamic stability) performed at Invitae indicates that this missense variant is expected to disrupt NF1 protein function with a positive predictive value of 95%. In summary, the available evidence is currently insufficient to determine the role of this variant in disease. Therefore, it has been classified as a Variant of Uncertain Significance.